The following is an entry in ClinVar:

NM_172107.4(KCNQ2):c.800C>T (p.Ala267Val)

Gene: KCNQ2 (potassium voltage-gated channel subfamily Q member 2; minus strand). Cytogenetic location: 20q13.33.
Variant type: single nucleotide variant.
Coding change: c.800C>T on transcript NM_172107.4 (MANE Select); coding-DNA position 800, C replaced by T.
Protein change: p.Ala267Val; replaces alanine 267 with valine.
Molecular consequence: missense variant.
Genome position (GRCh38, 1-based): chr20:63,442,422, G>A on the plus strand (C>T on the coding strand, the complement: KCNQ2 is on the minus strand). VCF-style: chr20-63442422-G-A. GRCh37 (hg19) VCF-style: chr20-62073775-G-A.
Other names: c.800C>T, p.Ala267Val (NM_001382235.1, NM_004518.6, NM_172106.3 and 2 more transcripts); short protein forms A267V.
Identifiers: ClinVar variation 951223 (VCV000951223.10), dbSNP rs2081187554, ClinGen allele CA409653373.

ClinVar aggregate classification (germline): Uncertain significance (1 of 4 stars; one submission).

Conditions:
Early-infantile DEE. Also called: Early infantile epileptic encephalopathy; Ohtahara syndrome; Early infantile epileptic encephalopathy with suppression bursts. Identifiers: Orphanet 1934, MedGen C0393706, MONDO:0800491.

Submission:

Labcorp Genetics (formerly Invitae), Labcorp
Classification: Uncertain significance for Early-infantile DEE. Last evaluated: 2024-03-15. Review status: criteria provided, single submitter. Criteria: Invitae Variant Classification Sherloc (09022015). Collection method: clinical testing. Allele origin: germline.
Comment: This sequence change replaces alanine, which is neutral and non-polar, with valine, which is neutral and non-polar, at codon 267 of the KCNQ2 protein (p.Ala267Val). This variant is not present in population databases (gnomAD no frequency). This missense change has been observed in individual(s) with clinical features of developmental and epileptic encephalopathy (Invitae). ClinVar contains an entry for this variant (Variation ID: 951223). Advanced modeling of protein sequence and biophysical properties (such as structural, functional, and spatial information, amino acid conservation, physicochemical variation, residue mobility, and thermodynamic stability) performed at Invitae indicates that this missense variant is expected to disrupt KCNQ2 protein function with a positive predictive value of 95%. In summary, the available evidence is currently insufficient to determine the role of this variant in disease. Therefore, it has been classified as a Variant of Uncertain Significance.